The following is an entry in ClinVar:

ClinVar aggregate classification (germline): Uncertain significance. Review status: criteria provided, multiple submitters, no conflicts (2 of 4 stars). 2 submissions from 2 submitters: Uncertain significance (2). Last evaluated 2026-05-23.

Conditions:
Macular degeneration, early-onset (EOMD). Identifiers: MedGen C4015286, MONDO:0014501, OMIM 616118.
Congenital contractural arachnodactyly (CCA). Also called: BEALS SYNDROME; Beals-Hecht syndrome; Arthrogryposis, distal, type 9. Identifiers: Orphanet 115, MedGen C0220668, MONDO:0007363, OMIM 121050.
Familial thoracic aortic aneurysm and aortic dissection (TAAD). Also called: Thoracic aortic aneurysms and dissections. Identifiers: Orphanet 91387, MedGen C4707243, MONDO:0019625.

gnomAD v4.1: 4 of 1,614,044 alleles (0.00025%); highest among the groups gnomAD compares: Non-Finnish European, 0.00034%; no homozygotes.

Submissions (2):

Ambry Genetics
Classification: Uncertain significance for Familial thoracic aortic aneurysm and aortic dissection. Last evaluated: 2026-05-23. Review status: criteria provided, single submitter. Criteria: Ambry Variant Classification Scheme 2023. Collection method: clinical testing. Allele origin: germline.
Comment: The p.F2272V variant (also known as c.6814T>G), located in coding exon 54 of the FBN2 gene, results from a T to G substitution at nucleotide position 6814. The phenylalanine at codon 2272 is replaced by valine, an amino acid with highly similar properties. This amino acid position is conserved. In addition, the in silico prediction for this alteration is inconclusive. Based on the available evidence, the clinical significance of this variant remains unclear.

Labcorp Genetics (formerly Invitae), Labcorp
Classification: Uncertain significance for Congenital contractural arachnodactyly. Last evaluated: 2022-07-05. Review status: criteria provided, single submitter. Criteria: Invitae Variant Classification Sherloc (09022015). Collection method: clinical testing. Allele origin: germline.
Comment: In summary, the available evidence is currently insufficient to determine the role of this variant in disease. Therefore, it has been classified as a Variant of Uncertain Significance. Advanced modeling of protein sequence and biophysical properties (such as structural, functional, and spatial information, amino acid conservation, physicochemical variation, residue mobility, and thermodynamic stability) performed at Invitae indicates that this missense variant is not expected to disrupt FBN2 protein function. ClinVar contains an entry for this variant (Variation ID: 1509398). This variant has not been reported in the literature in individuals affected with FBN2-related conditions. This variant is not present in population databases (gnomAD no frequency). This sequence change replaces phenylalanine, which is neutral and non-polar, with valine, which is neutral and non-polar, at codon 2272 of the FBN2 protein (p.Phe2272Val).

NM_001999.4(FBN2):c.6814T>G (p.Phe2272Val)

Gene: FBN2 (fibrillin 2; minus strand). Cytogenetic location: 5q23.3.
Variant type: single nucleotide variant.
Coding change: c.6814T>G on transcript NM_001999.4 (MANE Select); coding-DNA position 6814, T replaced by G.
Protein change: p.Phe2272Val; replaces phenylalanine 2272 with valine.
Molecular consequence: missense variant.
Genome position (GRCh38, 1-based): chr5:128,287,374, A>C on the plus strand (T>G on the coding strand, the complement: FBN2 is on the minus strand). VCF-style: chr5-128287374-A-C. GRCh37 (hg19) VCF-style: chr5-127623066-A-C.
Other names: c.6814T>G (NM_001999.3); short protein forms F2272V.
Identifiers: ClinVar variation 1509398 (VCV001509398.8), dbSNP rs1749185390, ClinGen allele CA360759658.